The following is an entry in ClinVar:

ClinVar aggregate classification (germline): Uncertain significance (1 of 4 stars; one submission).

Submission:

GeneDx
Classification: Uncertain significance. Last evaluated: 2023-03-25. Review status: criteria provided, single submitter. Criteria: GeneDx Variant Classification Process June 2021. Collection method: clinical testing. Allele origin: germline. Affected: yes.
Comment: Not observed in large population cohorts (gnomAD); Has not been previously published as pathogenic or benign to our knowledge; In silico analysis is inconclusive as to whether the variant alters gene splicing. In the absence of RNA/functional studies, the actual effect of this sequence change is unknown.

NM_018896.5(CACNA1G):c.4758A>G (p.Ser1586=)

Gene: CACNA1G (calcium voltage-gated channel subunit alpha1 G; plus strand). Cytogenetic location: 17q21.33.
Variant type: single nucleotide variant.
Coding change: c.4758A>G on transcript NM_018896.5 (MANE Select); coding-DNA position 4758, A replaced by G.
Protein change: p.Ser1586=; no amino-acid change (serine 1586 retained).
Molecular consequence: synonymous variant. On other transcripts: non-coding transcript variant (2), intron variant (17).
Genome position (GRCh38, 1-based): chr17:50,609,934, A>G. VCF-style: chr17-50609934-A-G. GRCh37 (hg19) VCF-style: chr17-48687295-A-G.
Other names: c.4779A>G, p.Ser1593= (NM_001256325.2); c.4758A>G, p.Ser1586= (NM_001256327.2, NM_001256333.2, NM_198384.3 and 1 more transcripts); c.4656A>G, p.Ser1552= (NM_001256329.2); c.4587A>G, p.Ser1529= (NM_001256332.2); c.4677A>G, p.Ser1559= (NM_001256359.2); c.4689A>G, p.Ser1563= (NM_198382.3, NM_198383.3); c.4726+1894A>G (NM_198377.3, NM_198380.3, NM_198378.3 and 1 more transcripts); c.4705+1915A>G (NM_001256324.2, NM_198386.3, NM_001256328.2); and 6 more.
Identifiers: ClinVar variation 2497877 (VCV002497877.1), dbSNP rs2545611157, ClinGen allele CA500876851.